The following is an entry in ClinVar:

NM_001243212.2(CCER2):c.43C>A (p.Leu15Met)

Gene: CCER2 (coiled-coil glutamate rich protein 2; minus strand). Cytogenetic location: 19q13.2.
Variant type: single nucleotide variant.
Coding change: c.43C>A on transcript NM_001243212.2 (MANE Select); coding-DNA position 43, C replaced by A.
Protein change: p.Leu15Met; replaces leucine 15 with methionine.
Molecular consequence: missense variant.
Genome position (GRCh38, 1-based): chr19:38,912,116, G>T on the plus strand (C>A on the coding strand, the complement: CCER2 is on the minus strand). VCF-style: chr19-38912116-G-T. GRCh37 (hg19) VCF-style: chr19-39402756-G-T.
Other names: short protein forms L15M.
Identifiers: ClinVar variation 3604360 (VCV003604360.2).
Genomic context (GRCh38, chr19:38,912,116, plus strand): 5'-CGGCCCCTGGCAGGTCCCGCACTCGGCAGGTCCCGCACTCACCCGCCCCCAGCAGGAGCA[G>T]CCGCAGCAGCAGCAGCTCAGAGGCTGGCCCTCGGGGCGGCATGGTGGGCGTCCAACGGGT-3'
Protein context (NP_001230141.1, residues 5-25): GPASELLLLR[Leu15Met]LLLGAATAAP

ClinVar aggregate classification (germline): Uncertain significance (1 of 4 stars; one submission).

gnomAD v4.1: 27 of 1,516,130 alleles (0.0018%); highest among the groups gnomAD compares: African/African-American, 0.035%; no homozygotes.

Submission:

Labcorp Genetics (formerly Invitae), Labcorp
Classification: Uncertain significance. Last evaluated: 2024-03-11. Review status: criteria provided, single submitter. Criteria: Invitae Variant Classification Sherloc (09022015). Collection method: clinical testing. Allele origin: germline.
Comment: This sequence change replaces leucine, which is neutral and non-polar, with methionine, which is neutral and non-polar, at codon 15 of the CCER2 protein (p.Leu15Met). This variant is present in population databases (rs562257686, gnomAD 0.03%). This variant has not been reported in the literature in individuals affected with CCER2-related conditions. An algorithm developed to predict the effect of missense changes on protein structure and function (PolyPhen-2) suggests that this variant is likely to be disruptive. In summary, the available evidence is currently insufficient to determine the role of this variant in disease. Therefore, it has been classified as a Variant of Uncertain Significance.